The following is an entry in ClinVar:

ClinVar aggregate classification (germline): Benign (1 of 4 stars; one submission).

Allele frequency attached by ClinVar (database versions not stated): 1000 Genomes Project 0.57129; 1000 Genomes Project 30x 0.57417; gnomAD 0.57772; TOPMed 0.58506.
gnomAD v4.1: 944,796 of 1,572,570 alleles (60%); highest among the groups gnomAD compares: East Asian, 64%; 284,965 homozygotes.

Submission:

GeneDx
Classification: Benign. Last evaluated: 2018-06-14. Review status: criteria provided, single submitter. Criteria: GeneDx Variant Classification (06012015). Collection method: clinical testing. Allele origin: germline. Affected: yes.
Comment: This variant is considered likely benign or benign based on one or more of the following criteria: it is a conservative change, it occurs at a poorly conserved position in the protein, it is predicted to be benign by multiple in silico algorithms, and/or has population frequency not consistent with disease.

NM_182961.4(SYNE1):c.11581-70T>C

Gene: SYNE1 (spectrin repeat containing nuclear envelope protein 1; minus strand). Cytogenetic location: 6q25.2.
Variant type: single nucleotide variant.
Coding change: c.11581-70T>C on transcript NM_182961.4 (MANE Select); 70 bases into the intron before coding-DNA position 11581, T replaced by C.
Molecular consequence: intron variant.
Genome position (GRCh38, 1-based): chr6:152,350,840, A>G on the plus strand (T>C on the coding strand, the complement: SYNE1 is on the minus strand). VCF-style: chr6-152350840-A-G. GRCh37 (hg19) VCF-style: chr6-152671975-A-G.
Other names: c.11536-70T>C (NM_033071.5).
Identifiers: ClinVar variation 670170 (VCV000670170.1), dbSNP rs1387549, ClinGen allele CA12308866.
Genomic context (GRCh38, chr6:152,350,840, plus strand): 5'-CAAAGAAAAAAAAATGAGCCTGCTCATCTCCGTGGACAAGATGAATACATACATATTCCC[A>G]TGGTATGCAAGAGATGATCTACCTCAAAGAAAGATTGTTCATATTTATGAAGCAATAGGT-3'